The following is an entry in ClinVar:

NM_003718.5(CDK13):c.658G>A (p.Asp220Asn)

Gene: CDK13 (cyclin dependent kinase 13; plus strand). Cytogenetic location: 7p14.1.
Variant type: single nucleotide variant.
Coding change: c.658G>A on transcript NM_003718.5 (MANE Select); coding-DNA position 658, G replaced by A.
Protein change: p.Asp220Asn; replaces aspartic acid 220 with asparagine.
Molecular consequence: missense variant.
Genome position (GRCh38, 1-based): chr7:39,951,299, G>A. VCF-style: chr7-39951299-G-A. GRCh37 (hg19) VCF-style: chr7-39990898-G-A.
Other names: c.658G>A, p.Asp220Asn (NM_031267.4); short protein forms D220N.
Identifiers: ClinVar variation 4780103 (VCV004780103.1).

ClinVar aggregate classification (germline): Uncertain significance (1 of 4 stars; one submission).

Submission:

Labcorp Genetics (formerly Invitae), Labcorp
Classification: Uncertain significance. Last evaluated: 2025-04-10. Review status: criteria provided, single submitter. Criteria: Invitae Variant Classification Sherloc (09022015). Collection method: clinical testing. Allele origin: germline.
Comment: This sequence change replaces aspartic acid, which is acidic and polar, with asparagine, which is neutral and polar, at codon 220 of the CDK13 protein (p.Asp220Asn). This variant is not present in population databases (gnomAD no frequency). This variant has not been reported in the literature in individuals affected with CDK13-related conditions. Invitae Evidence Modeling of protein sequence and biophysical properties (such as structural, functional, and spatial information, amino acid conservation, physicochemical variation, residue mobility, and thermodynamic stability) indicates that this missense variant is not expected to disrupt CDK13 protein function with a negative predictive value of 95%. In summary, the available evidence is currently insufficient to determine the role of this variant in disease. Therefore, it has been classified as a Variant of Uncertain Significance.